The following is an entry in ClinVar:

NM_000260.4(MYO7A):c.5079C>T (p.Asp1693=)

Gene: MYO7A (myosin VIIA; plus strand). Cytogenetic location: 11q13.5.
Variant type: single nucleotide variant.
Coding change: c.5079C>T on transcript NM_000260.4 (MANE Select); coding-DNA position 5079, C replaced by T.
Protein change: p.Asp1693=; no amino-acid change (aspartic acid 1693 retained).
Molecular consequence: synonymous variant.
Genome position (GRCh38, 1-based): chr11:77,202,335, C>T. VCF-style: chr11-77202335-C-T. GRCh37 (hg19) VCF-style: chr11-76913380-C-T.
Other names: c.4965C>T, p.Asp1655= (NM_001127180.2); c.4932C>T, p.Asp1644= (NM_001369365.1).
Identifiers: ClinVar variation 769803 (VCV000769803.15), dbSNP rs751298357, ClinGen allele CA6198616.

ClinVar aggregate classification (germline): Likely benign. Review status: criteria provided, multiple submitters, no conflicts (2 of 4 stars). 4 submissions from 4 submitters: Likely benign (3). 1 of the submissions does not count toward it. Last evaluated 2026-01-19.

Conditions:
MYO7A-related disorder. Also called: MYO7A-related disorders.

Allele frequency attached by ClinVar (database versions not stated): TOPMed 0.00003; gnomAD 0.00005; gnomAD exomes 0.00007 and 0.00010; ExAC 0.00023.
gnomAD v4.1: 105 of 1,582,334 alleles (0.0066%); highest among the groups gnomAD compares: Admixed American, 0.043%; no homozygotes.

Submissions (4):

Labcorp Genetics (formerly Invitae), Labcorp
Classification: Likely benign. Last evaluated: 2026-01-19. Review status: criteria provided, single submitter. Criteria: Invitae Variant Classification Sherloc (09022015). Collection method: clinical testing. Allele origin: germline.

Blueprint Genetics
Classification: Likely benign. Last evaluated: 2024-05-20. Review status: criteria provided, single submitter. Criteria: ACMG Guidelines, 2015. Collection method: clinical testing. Allele origin: germline.

GeneDx
Classification: Likely benign. Last evaluated: 2021-02-15. Review status: criteria provided, single submitter. Criteria: GeneDx Variant Classification Process June 2021. Collection method: clinical testing. Allele origin: germline. Affected: yes.

PreventionGenetics, part of Exact Sciences
Classification: Likely benign for MYO7A-related condition. Last evaluated: 2021-04-12. Review status: no assertion criteria provided. Collection method: clinical testing. Allele origin: germline. Not counted in ClinVar's aggregate classification.
Comment: This variant is classified as likely benign based on ACMG/AMP sequence variant interpretation guidelines (Richards et al. 2015 PMID: 25741868, with internal and published modifications).